The following is an entry in ClinVar:

ClinVar aggregate classification (germline): Uncertain significance (1 of 4 stars; one submission).

Conditions:
Inborn genetic diseases. Identifiers: MedGen C0950123, MeSH D030342.

gnomAD v4.1: 3 of 1,614,212 alleles (0.00019%); highest among the groups gnomAD compares: East Asian, 0.0067%; no homozygotes.

Submission:

Ambry Genetics
Classification: Uncertain significance for Inborn genetic diseases. Last evaluated: 2025-05-18. Review status: criteria provided, single submitter. Criteria: Ambry Variant Classification Scheme 2023. Collection method: clinical testing. Allele origin: germline.
Comment: The p.L718S variant (also known as c.2153T>C), located in coding exon 8 of the MECOM gene, results from a T to C substitution at nucleotide position 2153. The leucine at codon 718 is replaced by serine, an amino acid with dissimilar properties. This amino acid position is conserved. In addition, this alteration is predicted to be tolerated by in silico analysis. Based on the available evidence, the clinical significance of this variant remains unclear.

NM_004991.4(MECOM):c.2153T>C (p.Leu718Ser)

Gene: MECOM (MDS1 and EVI1 complex locus; minus strand). Cytogenetic location: 3q26.2.
Variant type: single nucleotide variant.
Coding change: c.2153T>C on transcript NM_004991.4 (MANE Select); coding-DNA position 2153, T replaced by C.
Protein change: p.Leu718Ser; replaces leucine 718 with serine.
Molecular consequence: missense variant.
Genome position (GRCh38, 1-based): chr3:169,115,719, A>G on the plus strand (T>C on the coding strand, the complement: MECOM is on the minus strand). VCF-style: chr3-169115719-A-G. GRCh37 (hg19) VCF-style: chr3-168833507-A-G.
Other names: c.1784T>C, p.Leu595Ser (NM_001105077.4); c.1589T>C, p.Leu530Ser (NM_001105078.4, NM_001164000.2, NM_001205194.2 and 4 more transcripts); c.1592T>C, p.Leu531Ser (NM_001163999.2, NM_001366467.2, NM_001366468.2 and 1 more transcripts); c.2153T>C, p.Leu718Ser (NM_001366466.2); c.1181T>C, p.Leu394Ser (NM_001366473.2); c.617T>C, p.Leu206Ser (NM_001366474.2); short protein forms L530S, L394S, L595S, L718S, L531S, L206S.
Identifiers: ClinVar variation 4053268 (VCV004053268.1).